The following is an entry in ClinVar:

ClinVar aggregate classification (germline): Uncertain significance (1 of 4 stars; one submission).

Conditions:
Cardiovascular phenotype. Identifiers: MedGen CN230736.

Submission:

Ambry Genetics
Classification: Uncertain significance for Cardiovascular phenotype. Last evaluated: 2020-04-07. Review status: criteria provided, single submitter. Criteria: Ambry Variant Classification Scheme 2023. Collection method: clinical testing. Allele origin: germline.
Comment: The p.W12713C variant (also known as c.38139G>T), located in coding exon 139 of the TTN gene, results from a G to T substitution at nucleotide position 38139. The tryptophan at codon 12713 is replaced by cysteine, an amino acid with highly dissimilar properties. This amino acid position is highly conserved in available vertebrate species. In addition, this alteration is predicted to be deleterious by in silico analysis. Since supporting evidence is limited at this time, the clinical significance of this alteration remains unclear.

NM_001267550.2(TTN):c.65334G>T (p.Trp21778Cys)

Genes: TTN (titin; minus strand), TTN-AS1 (TTN antisense RNA 1; plus strand). Cytogenetic location: 2q31.2.
Variant type: single nucleotide variant.
Coding change: c.65334G>T on transcript NM_001267550.2 (MANE Select); coding-DNA position 65334, G replaced by T.
Protein change: p.Trp21778Cys; replaces tryptophan 21778 with cysteine.
Molecular consequence: missense variant. On other transcripts: non-coding transcript variant (1).
Genome position (GRCh38, 1-based): chr2:178,583,848, C>A on the plus strand (G>T on the coding strand, the complement: TTN is on the minus strand). VCF-style: chr2-178583848-C-A. GRCh37 (hg19) VCF-style: chr2-179448575-C-A.
Other names: c.60411G>T, p.Trp20137Cys (NM_001256850.1); c.38139G>T, p.Trp12713Cys (NM_003319.4); c.57630G>T, p.Trp19210Cys (NM_133378.4); c.38514G>T, p.Trp12838Cys (NM_133432.3); c.38715G>T, p.Trp12905Cys (NM_133437.4); short protein forms W19210C, W12905C, W21778C, W12838C, W20137C, W12713C.
Identifiers: ClinVar variation 1735176 (VCV001735176.2), dbSNP rs2469105828, ClinGen allele CA349434404.